The following is an entry in ClinVar:

ClinVar aggregate classification (germline): Pathogenic/Likely pathogenic. Review status: criteria provided, multiple submitters, no conflicts (2 of 4 stars). 3 submissions from 3 submitters: Pathogenic (1); Likely pathogenic (2). Last evaluated 2026-02-24.

Conditions:
Methylcobalamin deficiency type cblE (HMAE). Also called: VITAMIN B12-RESPONSIVE HOMOCYSTINURIA, cblE TYPE; HOMOCYSTINURIA-MEGALOBLASTIC ANEMIA, cblE TYPE; HOMOCYSTINURIA-MEGALOBLASTIC ANEMIA, cblE COMPLEMENTATION TYPE. Identifiers: Orphanet 2169, Orphanet 622, MedGen C1856057, MONDO:0009354, OMIM 236270.
Neural tube defects, folate-sensitive (NTDFS). Also called: NTD, FOLATE-SENSITIVE. Identifiers: Orphanet 823, MedGen C1866558, MONDO:0011120, OMIM 601634.

gnomAD v4.1: 5 of 1,613,326 alleles (0.00031%); highest among the groups gnomAD compares: Non-Finnish European, 0.00042%; no homozygotes.

Submissions (3):

Dasa
Classification: Likely pathogenic. Last evaluated: 2026-02-24. Review status: criteria provided, single submitter. Criteria: DASA Assertion Criteria. Collection method: clinical testing. Allele origin: germline.
Comment: NM_002454.3(MTRR):c.1123G>T (p.Glu375*) is a nonsense variant in MTRR predicted to introduce a premature termination codon and is predicted to result in an absent or altered protein product. Loss of function is an established disease mechanism for MTRR-associated disorders. Also, this variant is rare in population databases. Based on the currently available evidence, this variant is classified as likely pathogenic.

Baylor Genetics
Classification: Likely pathogenic for Neural tube defects, folate-sensitive. Last evaluated: 2024-03-10. Review status: criteria provided, single submitter. Criteria: ACMG Guidelines, 2015. Collection method: clinical testing. Allele origin: unknown.

Labcorp Genetics (formerly Invitae), Labcorp
Classification: Pathogenic for Methylcobalamin deficiency type cblE. Last evaluated: 2020-11-26. Review status: criteria provided, single submitter. Criteria: Invitae Variant Classification Sherloc (09022015). Collection method: clinical testing. Allele origin: germline.
Comment: For these reasons, this variant has been classified as Pathogenic. This variant has not been reported in the literature in individuals with MTRR-related conditions. This variant is present in population databases (rs772547714, ExAC 0.003%). This sequence change creates a premature translational stop signal (p.Glu375*) in the MTRR gene. It is expected to result in an absent or disrupted protein product. Loss-of-function variants in MTRR are known to be pathogenic (PMID: 15714522).

Literature cited by the submitters: PubMed 15714522 (cited by Labcorp Genetics (formerly Invitae), Labcorp).

NM_002454.3(MTRR):c.1123G>T (p.Glu375Ter)

Gene: MTRR (5-methyltetrahydrofolate-homocysteine methyltransferase reductase; plus strand). Cytogenetic location: 5p15.31.
Variant type: single nucleotide variant.
Coding change: c.1123G>T on transcript NM_002454.3 (MANE Select); coding-DNA position 1123, G replaced by T.
Protein change: p.Glu375Ter; replaces glutamic acid 375 with a stop codon.
Molecular consequence: nonsense. On other transcripts: non-coding transcript variant (12).
Genome position (GRCh38, 1-based): chr5:7,886,680, G>T. VCF-style: chr5-7886680-G-T. GRCh37 (hg19) VCF-style: chr5-7886793-G-T.
Other names: c.1123G>T, p.Glu375Ter (NM_001364440.2, NM_001364441.2, NM_001364442.2 and 1 more transcripts); short protein forms E375*.
Identifiers: ClinVar variation 1451191 (VCV001451191.9), dbSNP rs772547714, ClinGen allele CA3195824.